The following is an entry in ClinVar:

NM_014271.4(IL1RAPL1):c.37G>A (p.Ala13Thr)

Gene: IL1RAPL1 (interleukin 1 receptor accessory protein like 1; plus strand). Cytogenetic location: Xp21.3.
Variant type: single nucleotide variant.
Coding change: c.37G>A on transcript NM_014271.4 (MANE Select); coding-DNA position 37, G replaced by A.
Protein change: p.Ala13Thr; replaces alanine 13 with threonine.
Molecular consequence: missense variant.
Genome position (GRCh38, 1-based): chrX:28,789,380, G>A. VCF-style: chrX-28789380-G-A. GRCh37 (hg19) VCF-style: chrX-28807497-G-A.
Other names: short protein forms A13T.
Identifiers: ClinVar variation 5039226 (VCV005039226.1).

ClinVar aggregate classification (germline): Likely benign (1 of 4 stars; one submission).

gnomAD v4.1: 9 of 1,207,947 alleles (0.00075%); highest among the groups gnomAD compares: Non-Finnish European, 0.0009%; no homozygotes.

Submission:

CeGaT Center for Human Genetics Tuebingen
Classification: Likely benign. Last evaluated: 2026-07-01. Review status: criteria provided, single submitter. Criteria: CeGaT Center For Human Genetics Tuebingen Variant Classification Criteria Version 2. Collection method: clinical testing. Allele origin: germline. Affected: yes. Observed: 1 variant allele.
Comment: IL1RAPL1: BS2